The following is an entry in ClinVar:

NM_182961.4(SYNE1):c.16344G>A (p.Leu5448=)

Gene: SYNE1 (spectrin repeat containing nuclear envelope protein 1; minus strand). Cytogenetic location: 6q25.2.
Variant type: single nucleotide variant.
Coding change: c.16344G>A on transcript NM_182961.4 (MANE Select); coding-DNA position 16344, G replaced by A.
Protein change: p.Leu5448=; no amino-acid change (leucine 5448 retained).
Molecular consequence: synonymous variant.
Genome position (GRCh38, 1-based): chr6:152,318,908, C>T on the plus strand (G>A on the coding strand, the complement: SYNE1 is on the minus strand). VCF-style: chr6-152318908-C-T. GRCh37 (hg19) VCF-style: chr6-152640043-C-T.
Other names: c.16131G>A, p.Leu5377= (NM_033071.5).
Identifiers: ClinVar variation 3905327 (VCV003905327.10).

ClinVar aggregate classification (germline): Likely benign (1 of 4 stars; one submission).

gnomAD v4.1: 7 of 1,614,088 alleles (0.00043%); highest among the groups gnomAD compares: African/African-American, 0.004%; no homozygotes.

Submission:

CeGaT Center for Human Genetics Tuebingen
Classification: Likely benign. Last evaluated: 2025-04-01. Review status: criteria provided, single submitter. Criteria: CeGaT Center For Human Genetics Tuebingen Variant Classification Criteria Version 2. Collection method: clinical testing. Allele origin: germline. Affected: yes. Observed: 1 variant allele.
Comment: SYNE1: BP4, BP7